The following is an entry in ClinVar:

ClinVar aggregate classification (germline): Uncertain significance. Review status: criteria provided, multiple submitters, no conflicts (2 of 4 stars). 2 submissions from 2 submitters: Uncertain significance (2). Last evaluated 2025-11-02.

Conditions:
Inborn genetic diseases. Identifiers: MedGen C0950123, MeSH D030342.

Submissions (2):

Ambry Genetics
Classification: Uncertain significance for Inborn genetic diseases. Last evaluated: 2025-11-02. Review status: criteria provided, single submitter. Criteria: Ambry Variant Classification Scheme 2023. Collection method: clinical testing. Allele origin: germline.

Labcorp Genetics (formerly Invitae), Labcorp
Classification: Uncertain significance. Last evaluated: 2021-08-21. Review status: criteria provided, single submitter. Criteria: Invitae Variant Classification Sherloc (09022015). Collection method: clinical testing. Allele origin: germline.
Comment: This sequence change replaces phenylalanine with serine at codon 581 of the TCIRG1 protein (p.Phe581Ser). The phenylalanine residue is highly conserved and there is a large physicochemical difference between phenylalanine and serine. This variant is not present in population databases (ExAC no frequency). This variant has not been reported in the literature in individuals affected with TCIRG1-related conditions. Algorithms developed to predict the effect of missense changes on protein structure and function (SIFT, PolyPhen-2, Align-GVGD) all suggest that this variant is likely to be disruptive. In summary, the available evidence is currently insufficient to determine the role of this variant in disease. Therefore, it has been classified as a Variant of Uncertain Significance.

NM_006019.4(TCIRG1):c.1742T>C (p.Phe581Ser)

Gene: TCIRG1 (T cell immune regulator 1, ATPase H+ transporting V0 subunit a3; plus strand). Cytogenetic location: 11q13.2.
Variant type: single nucleotide variant.
Coding change: c.1742T>C on transcript NM_006019.4 (MANE Select); coding-DNA position 1742, T replaced by C.
Protein change: p.Phe581Ser; replaces phenylalanine 581 with serine.
Molecular consequence: missense variant.
Genome position (GRCh38, 1-based): chr11:68,049,149, T>C. VCF-style: chr11-68049149-T-C. GRCh37 (hg19) VCF-style: chr11-67816616-T-C.
Other names: c.848T>C, p.Phe283Ser (NM_001351059.2); c.1094T>C, p.Phe365Ser (NM_006053.4); c.1742T>C (NM_006019.3); short protein forms F581S, F365S, F283S.
Identifiers: ClinVar variation 1514408 (VCV001514408.2), dbSNP rs955211475, ClinGen allele CA224209679.